The following is an entry in ClinVar:

NM_002075.4(GNB3):c.974T>C (p.Met325Thr)

Genes: CDCA3 (cell division cycle associated 3; minus strand), GNB3 (G protein subunit beta 3; plus strand). Cytogenetic location: 12p13.31.
Variant type: single nucleotide variant.
Coding change: c.974T>C on transcript NM_002075.4 (MANE Select); coding-DNA position 974, T replaced by C.
Protein change: p.Met325Thr; replaces methionine 325 with threonine.
Molecular consequence: missense variant.
Genome position (GRCh38, 1-based): chr12:6,846,849, T>C. VCF-style: chr12-6846849-T-C. GRCh37 (hg19) VCF-style: chr12-6956013-T-C.
Other names: c.971T>C, p.Met324Thr (NM_001297571.2); c.599A>G, p.His200Arg (NM_001297603.3); short protein forms M324T, M325T, H200R.
Identifiers: ClinVar variation 4773095 (VCV004773095.1).

ClinVar aggregate classification (germline): Uncertain significance (1 of 4 stars; one submission).

Submission:

Labcorp Genetics (formerly Invitae), Labcorp
Classification: Uncertain significance. Last evaluated: 2025-11-18. Review status: criteria provided, single submitter. Criteria: Invitae Variant Classification Sherloc (09022015). Collection method: clinical testing. Allele origin: germline.
Comment: This sequence change replaces methionine, which is neutral and non-polar, with threonine, which is neutral and polar, at codon 325 of the GNB3 protein (p.Met325Thr). This variant is not present in population databases (gnomAD no frequency). This variant has not been reported in the literature in individuals affected with GNB3-related conditions. Invitae Evidence Modeling of protein sequence and biophysical properties (such as structural, functional, and spatial information, amino acid conservation, physicochemical variation, residue mobility, and thermodynamic stability) indicates that this missense variant is not expected to disrupt GNB3 protein function with a negative predictive value of 80%. In summary, the available evidence is currently insufficient to determine the role of this variant in disease. Therefore, it has been classified as a Variant of Uncertain Significance.